The following is an entry in ClinVar:

NM_012414.4(RAB3GAP2):c.1396G>C (p.Val466Leu)

Gene: RAB3GAP2 (RAB3 GTPase activating non-catalytic protein subunit 2; minus strand). Cytogenetic location: 1q41.
Variant type: single nucleotide variant.
Coding change: c.1396G>C on transcript NM_012414.4 (MANE Select); coding-DNA position 1396, G replaced by C.
Protein change: p.Val466Leu; replaces valine 466 with leucine.
Molecular consequence: missense variant.
Genome position (GRCh38, 1-based): chr1:220,191,159, C>G on the plus strand (G>C on the coding strand, the complement: RAB3GAP2 is on the minus strand). VCF-style: chr1-220191159-C-G. GRCh37 (hg19) VCF-style: chr1-220364501-C-G.
Other names: short protein forms V466L.
Identifiers: ClinVar variation 565918 (VCV000565918.10), dbSNP rs753527336, ClinGen allele CA344645504.

ClinVar aggregate classification (germline): Uncertain significance (1 of 4 stars; one submission).

Conditions:
Martsolf syndrome (MARTS). Also called: Congenital cataract with intellectual disability and hypogonadotropic hypogonadism syndrome. Identifiers: Orphanet 1387, MedGen C0796037, MONDO:0023910.
Warburg micro syndrome 2 (WARBM2). Also called: MICRO SYNDROME 2. Identifiers: Orphanet 2510, MedGen C3280214, MONDO:0013641, OMIM 614225.

gnomAD v4.1: 4 of 1,614,052 alleles (0.00025%); highest among the groups gnomAD compares: South Asian, 0.0033%; no homozygotes.

Submission:

Labcorp Genetics (formerly Invitae), Labcorp
Classification: Uncertain significance for Martsolf syndrome; Warburg micro syndrome 2. Last evaluated: 2025-08-11. Review status: criteria provided, single submitter. Criteria: Invitae Variant Classification Sherloc (09022015). Collection method: clinical testing. Allele origin: germline.
Comment: This sequence change replaces valine, which is neutral and non-polar, with leucine, which is neutral and non-polar, at codon 466 of the RAB3GAP2 protein (p.Val466Leu). This variant is present in population databases (no rsID available, gnomAD 0.003%). This variant has not been reported in the literature in individuals affected with RAB3GAP2-related conditions. ClinVar contains an entry for this variant (Variation ID: 565918). Invitae Evidence Modeling of protein sequence and biophysical properties (such as structural, functional, and spatial information, amino acid conservation, physicochemical variation, residue mobility, and thermodynamic stability) indicates that this missense variant is not expected to disrupt RAB3GAP2 protein function with a negative predictive value of 80%. In summary, the available evidence is currently insufficient to determine the role of this variant in disease. Therefore, it has been classified as a Variant of Uncertain Significance.